The following is an entry in ClinVar:

NM_000213.5(ITGB4):c.5072G>A (p.Arg1691Gln)

Genes: GALK1 (galactokinase 1; minus strand), ITGB4 (integrin subunit beta 4; plus strand). Cytogenetic location: 17q25.1.
Variant type: single nucleotide variant.
Coding change: c.5072G>A on transcript NM_000213.5 (MANE Select); coding-DNA position 5072, G replaced by A.
Protein change: p.Arg1691Gln; replaces arginine 1691 with glutamine.
Molecular consequence: missense variant. On other transcripts: intron variant (1).
Genome position (GRCh38, 1-based): chr17:75,756,961, G>A. VCF-style: chr17-75756961-G-A. GRCh37 (hg19) VCF-style: chr17-73753042-G-A.
Other names: c.5021G>A, p.Arg1674Gln (NM_001005619.2); c.4862G>A, p.Arg1621Gln (NM_001005731.3, NM_001321123.2); c.4712G>A, p.Arg1571Gln (NM_001438834.1); c.*22+1073C>T (NM_001381985.1); short protein forms R1621Q, R1691Q, R1674Q, R1571Q.
Identifiers: ClinVar variation 325210 (VCV000325210.8), dbSNP rs376139144, ClinGen allele CA8770451.

ClinVar aggregate classification (germline): Uncertain significance. Review status: criteria provided, multiple submitters, no conflicts (2 of 4 stars). 4 submissions from 4 submitters: Uncertain significance (3). 1 of the submissions does not count toward it. Last evaluated 2024-05-09.

Conditions:
Junctional epidermolysis bullosa with pyloric atresia. Also called: EPIDERMOLYSIS BULLOSA, JUNCTIONAL 5B, WITH PYLORIC ATRESIA; Junctional Epidermolysis Bullosa- Pyloric Atresia Syndrome; APLASIA CUTIS CONGENITA WITH GASTROINTESTINAL ATRESIA; CARMI SYNDROME; EB-PA-ACC; ITGB4-Related Epidermolysis Bullosa with Pyloric Atresia. Identifiers: Orphanet 79403, MedGen C5676875, MONDO:0009183, OMIM 226730.
Epidermolysis bullosa, junctional 5A, intermediate. Also called: EPIDERMOLYSIS BULLOSA, JUNCTIONAL 5A, GENERALIZED INTERMEDIATE; EPIDERMOLYSIS BULLOSA, JUNCTIONAL 5A, NON-HERLITZ TYPE. Identifiers: MedGen C5676956, MONDO:0030768, OMIM 619816.
ITGB4-related disorder. Also called: ITGB4-related condition.

Allele frequency attached by ClinVar (database versions not stated): gnomAD 0.00001 and 0.00002; gnomAD exomes 0.00004; ExAC 0.00006; TOPMed 0.00006.
gnomAD v4.1: 69 of 1,612,536 alleles (0.0043%); highest among the groups gnomAD compares: East Asian, 0.018%; no homozygotes.

Submissions (4):

Fulgent Genetics
Classification: Uncertain significance for Junctional epidermolysis bullosa with pyloric atresia; Epidermolysis bullosa, junctional 5A, intermediate. Last evaluated: 2024-05-09. Review status: criteria provided, single submitter. Criteria: ACMG Guidelines, 2015. Collection method: clinical testing. Allele origin: germline.

Labcorp Genetics (formerly Invitae), Labcorp
Classification: Uncertain significance. Last evaluated: 2022-02-10. Review status: criteria provided, single submitter. Criteria: Invitae Variant Classification Sherloc (09022015). Collection method: clinical testing. Allele origin: germline.
Comment: This sequence change replaces arginine, which is basic and polar, with glutamine, which is neutral and polar, at codon 1621 of the ITGB4 protein (p.Arg1621Gln). This variant is present in population databases (rs376139144, gnomAD 0.02%). This variant has not been reported in the literature in individuals affected with ITGB4-related conditions. ClinVar contains an entry for this variant (Variation ID: 325210). Algorithms developed to predict the effect of missense changes on protein structure and function output the following: SIFT: "Not Available"; PolyPhen-2: "Benign"; Align-GVGD: "Not Available". The glutamine amino acid residue is found in multiple mammalian species, which suggests that this missense change does not adversely affect protein function. In summary, the available evidence is currently insufficient to determine the role of this variant in disease. Therefore, it has been classified as a Variant of Uncertain Significance.

Illumina Laboratory Services, Illumina
Classification: Uncertain significance for Junctional epidermolysis bullosa with pyloric atresia. Last evaluated: 2018-01-13. Review status: criteria provided, single submitter. Criteria: ICSL Variant Classification Criteria 13 December 2019. Collection method: clinical testing. Allele origin: germline.

PreventionGenetics, part of Exact Sciences
Classification: Uncertain significance for ITGB4-related condition. Last evaluated: 2024-04-27. Review status: no assertion criteria provided. Collection method: clinical testing. Allele origin: germline. Not counted in ClinVar's aggregate classification.
Comment: The ITGB4 c.5072G>A variant is predicted to result in the amino acid substitution p.Arg1691Gln. To our knowledge, this variant has not been reported in the literature. This variant is reported in 0.027% of alleles in individuals of East Asian descent in gnomAD. At this time, the clinical significance of this variant is uncertain due to the absence of conclusive functional and genetic evidence.